The following is an entry in ClinVar:

NM_024570.4(RNASEH2B):c.510+6G>T

Gene: RNASEH2B (ribonuclease H2 subunit B; plus strand). Cytogenetic location: 13q14.3.
Variant type: single nucleotide variant.
Coding change: c.510+6G>T on transcript NM_024570.4 (MANE Select); 6 bases into the intron after coding-DNA position 510, G replaced by T.
Molecular consequence: intron variant.
Genome position (GRCh38, 1-based): chr13:50,943,400, G>T. VCF-style: chr13-50943400-G-T. GRCh37 (hg19) VCF-style: chr13-51517536-G-T.
Other names: c.510+6G>T (NM_001142279.2).
Identifiers: ClinVar variation 1359360 (VCV001359360.26), dbSNP rs1951858134, ClinGen allele CA2091107603.

ClinVar aggregate classification (germline): Uncertain significance. Review status: criteria provided, multiple submitters, no conflicts (2 of 4 stars). 2 submissions from 2 submitters: Uncertain significance (2). Last evaluated 2023-08-01.

Conditions:
Aicardi-Goutieres syndrome 2. Identifiers: Orphanet 51, MedGen C3489724, MONDO:0012429, OMIM 610181.

Allele frequency attached by ClinVar (database versions not stated): TOPMed below 0.00001.
gnomAD v4.1: 11 of 1,585,568 alleles (0.00069%); highest among the groups gnomAD compares: Middle Eastern, 0.017%; no homozygotes.

Submissions (2):

CeGaT Center for Human Genetics Tuebingen
Classification: Uncertain significance. Last evaluated: 2023-08-01. Review status: criteria provided, single submitter. Criteria: CeGaT Center For Human Genetics Tuebingen Variant Classification Criteria Version 2. Collection method: clinical testing. Allele origin: germline. Affected: yes. Observed: 1 variant allele.
Comment: RNASEH2B: PM2, BP4

Labcorp Genetics (formerly Invitae), Labcorp
Classification: Uncertain significance for Aicardi-Goutieres syndrome 2. Last evaluated: 2021-12-13. Review status: criteria provided, single submitter. Criteria: Invitae Variant Classification Sherloc (09022015). Collection method: clinical testing. Allele origin: germline.
Comment: This sequence change falls in intron 6 of the RNASEH2B gene. It does not directly change the encoded amino acid sequence of the RNASEH2B protein. It affects a nucleotide within the consensus splice site. This variant is not present in population databases (gnomAD no frequency). This variant has not been reported in the literature in individuals affected with RNASEH2B-related conditions. Variants that disrupt the consensus splice site are a relatively common cause of aberrant splicing (PMID: 17576681, 9536098). Algorithms developed to predict the effect of sequence changes on RNA splicing suggest that this variant is not likely to affect RNA splicing. In summary, the available evidence is currently insufficient to determine the role of this variant in disease. Therefore, it has been classified as a Variant of Uncertain Significance.

Literature cited by the submitters: PubMed 17576681 (cited by Labcorp Genetics (formerly Invitae), Labcorp); PubMed 9536098 (cited by Labcorp Genetics (formerly Invitae), Labcorp).